The following is an entry in ClinVar:

ClinVar aggregate classification (germline): Uncertain significance (1 of 4 stars; one submission).

Conditions:
Hereditary cancer-predisposing syndrome. Also called: Neoplastic Syndromes, Hereditary; Tumor predisposition; Hereditary neoplastic syndrome; Hereditary Cancer Syndrome. Identifiers: Orphanet 140162, MedGen C0027672, MeSH D009386, MONDO:0015356.

Submission:

Ambry Genetics
Classification: Uncertain significance for Hereditary cancer-predisposing syndrome. Last evaluated: 2024-02-25. Review status: criteria provided, single submitter. Criteria: Ambry Variant Classification Scheme 2023. Collection method: clinical testing. Allele origin: germline.
Comment: The p.T637P variant (also known as c.1909A>C), located in coding exon 14 of the PTCH1 gene, results from an A to C substitution at nucleotide position 1909. The threonine at codon 637 is replaced by proline, an amino acid with highly similar properties. This amino acid position is conserved. In addition, this alteration is predicted to be tolerated by in silico analysis. Based on the available evidence, the clinical significance of this alteration remains unclear.

NM_000264.5(PTCH1):c.1909A>C (p.Thr637Pro)

Genes: PTCH1 (patched 1; minus strand), LOC100507346 (uncharacterized LOC100507346; plus strand). Cytogenetic location: 9q22.32.
Variant type: single nucleotide variant.
Coding change: c.1909A>C on transcript NM_000264.5 (MANE Select); coding-DNA position 1909, A replaced by C.
Protein change: p.Thr637Pro; replaces threonine 637 with proline.
Molecular consequence: missense variant. On other transcripts: non-coding transcript variant (2).
Genome position (GRCh38, 1-based): chr9:95,469,092, T>G on the plus strand (A>C on the coding strand, the complement: PTCH1 is on the minus strand). VCF-style: chr9-95469092-T-G. GRCh37 (hg19) VCF-style: chr9-98231374-T-G.
Other names: c.1711A>C, p.Thr571Pro (NM_001083602.3); c.1906A>C, p.Thr636Pro (NM_001083603.3); c.1456A>C, p.Thr486Pro (NM_001083604.3, NM_001083605.3, NM_001083606.3 and 1 more transcripts); c.1753A>C, p.Thr585Pro (NM_001354918.2); short protein forms T486P, T571P, T585P, T636P, T637P.
Identifiers: ClinVar variation 3230962 (VCV003230962.1), dbSNP rs1564034151, ClinGen allele CA374116067.